The following is an entry in ClinVar:

NM_005419.4(STAT2):c.2537T>G (p.Leu846Trp)

Gene: STAT2 (signal transducer and activator of transcription 2; minus strand). Cytogenetic location: 12q13.3.
Variant type: single nucleotide variant.
Coding change: c.2537T>G on transcript NM_005419.4 (MANE Select); coding-DNA position 2537, T replaced by G.
Protein change: p.Leu846Trp; replaces leucine 846 with tryptophan.
Molecular consequence: missense variant. On other transcripts: 3 prime UTR variant (1).
Genome position (GRCh38, 1-based): chr12:56,343,408, A>C on the plus strand (T>G on the coding strand, the complement: STAT2 is on the minus strand). VCF-style: chr12-56343408-A-C. GRCh37 (hg19) VCF-style: chr12-56737192-A-C.
Other names: c.2504T>G, p.Leu835Trp (NM_001385110.1); c.2438T>G, p.Leu813Trp (NM_001385111.1); c.*106T>G (NM_001385113.1); c.2516T>G, p.Leu839Trp (NM_001385114.1); c.2495T>G, p.Leu832Trp (NM_001385115.1); c.2525T>G, p.Leu842Trp (NM_198332.2); short protein forms L813W, L832W, L839W, L842W, L835W, L846W.
Identifiers: ClinVar variation 2098350 (VCV002098350.4), dbSNP rs2547238344, ClinGen allele CA385258392.
Genomic context (GRCh38, chr12:56,343,408, plus strand): 5'-GAAGGGCAAGAGATATGAAAAGAACAGAGGAAATGTGGTTCCTAGAAGTCAGAAGGCATC[A>C]AGGGTCCATCAGTGTAGAAGTGGCTGGGGCGGGAGACGTAAACCTCATCCACGGTGTTCT-3'
Protein context (NP_005410.1, residues 836-851): RPSHFYTDGP[Leu846Trp]MPSDF

ClinVar aggregate classification (germline): Uncertain significance (1 of 4 stars; one submission).

Conditions:
Primary immunodeficiency with post-measles-mumps-rubella vaccine viral infection. Also called: Immunodeficiency 44. Identifiers: Orphanet 431166, MedGen C4225260, MONDO:0014715, OMIM 616636.

Submission:

Labcorp Genetics (formerly Invitae), Labcorp
Classification: Uncertain significance for Primary immunodeficiency with post-measles-mumps-rubella vaccine viral infection. Last evaluated: 2022-02-18. Review status: criteria provided, single submitter. Criteria: Invitae Variant Classification Sherloc (09022015). Collection method: clinical testing. Allele origin: germline.
Comment: This variant is not present in population databases (gnomAD no frequency). This sequence change replaces leucine, which is neutral and non-polar, with tryptophan, which is neutral and slightly polar, at codon 846 of the STAT2 protein (p.Leu846Trp). This variant has not been reported in the literature in individuals affected with STAT2-related conditions. In summary, the available evidence is currently insufficient to determine the role of this variant in disease. Therefore, it has been classified as a Variant of Uncertain Significance. Algorithms developed to predict the effect of missense changes on protein structure and function output the following: SIFT: "Deleterious"; PolyPhen-2: "Benign"; Align-GVGD: "Class C0". The tryptophan amino acid residue is found in multiple mammalian species, which suggests that this missense change does not adversely affect protein function.